The following is an entry in ClinVar:

ClinVar aggregate classification (germline): Uncertain significance (1 of 4 stars; one submission).

Allele frequency attached by ClinVar (database versions not stated): gnomAD 0.00001.
gnomAD v4.1: 29 of 1,613,982 alleles (0.0018%); highest among the groups gnomAD compares: Non-Finnish European, 0.0024%; no homozygotes.

Submission:

Labcorp Genetics (formerly Invitae), Labcorp
Classification: Uncertain significance. Last evaluated: 2024-11-05. Review status: criteria provided, single submitter. Criteria: Invitae Variant Classification Sherloc (09022015). Collection method: clinical testing. Allele origin: germline.
Comment: This sequence change replaces histidine, which is basic and polar, with aspartic acid, which is acidic and polar, at codon 144 of the TRAP1 protein (p.His144Asp). This variant is present in population databases (no rsID available, gnomAD 0.0009%). This variant has not been reported in the literature in individuals affected with TRAP1-related conditions. ClinVar contains an entry for this variant (Variation ID: 1471065). Invitae Evidence Modeling of protein sequence and biophysical properties (such as structural, functional, and spatial information, amino acid conservation, physicochemical variation, residue mobility, and thermodynamic stability) indicates that this missense variant is not expected to disrupt TRAP1 protein function with a negative predictive value of 80%. In summary, the available evidence is currently insufficient to determine the role of this variant in disease. Therefore, it has been classified as a Variant of Uncertain Significance.

NM_016292.3(TRAP1):c.430C>G (p.His144Asp)

Gene: TRAP1 (TNF receptor associated protein 1; minus strand). Cytogenetic location: 16p13.3.
Variant type: single nucleotide variant.
Coding change: c.430C>G on transcript NM_016292.3 (MANE Select); coding-DNA position 430, C replaced by G.
Protein change: p.His144Asp; replaces histidine 144 with aspartic acid.
Molecular consequence: missense variant.
Genome position (GRCh38, 1-based): chr16:3,686,037, G>C on the plus strand (C>G on the coding strand, the complement: TRAP1 is on the minus strand). VCF-style: chr16-3686037-G-C. GRCh37 (hg19) VCF-style: chr16-3736038-G-C.
Other names: c.271C>G, p.His91Asp (NM_001272049.2); short protein forms H144D, H91D.
Identifiers: ClinVar variation 1471065 (VCV001471065.8), dbSNP rs759275083, ClinGen allele CA277014208.